The following is an entry in ClinVar:

Conditions:
Breast-ovarian cancer, familial, susceptibility to, 1 (BROVCA1). Also called: BRCA1 Hereditary Breast and Ovarian Cancer; OVARIAN CANCER, SUSCEPTIBILITY TO. Identifiers: Orphanet 145, MedGen C2676676, MONDO:0011450, OMIM 604370. Disease mechanism: loss of function.

Submission:

Brotman Baty Institute, University of Washington
No classification provided (evidence only). Condition: Breast-ovarian cancer, familial 1. Review status: no classification provided. Collection method: in vitro. Allele origin: not applicable. Functional consequence: functionally_normal.
ClinVar note: "not provided" was previously submitted as the classification for the variant. However, the classification appeared to be based only on an observation of functional data so it was converted to no classification on 2025-07-30.

NM_007294.4(BRCA1):c.5274A>C (p.Arg1758Ser)

Gene: BRCA1 (BRCA1 DNA repair associated; minus strand). Cytogenetic location: 17q21.31.
Variant type: single nucleotide variant.
Coding change: c.5274A>C on transcript NM_007294.4 (MANE Select); coding-DNA position 5274, A replaced by C.
Protein change: p.Arg1758Ser; replaces arginine 1758 with serine.
Molecular consequence: missense variant. On other transcripts: non-coding transcript variant (1).
Genome position (GRCh38, 1-based): chr17:43,057,055, T>G on the plus strand (A>C on the coding strand, the complement: BRCA1 is on the minus strand). VCF-style: chr17-43057055-T-G. GRCh37 (hg19) VCF-style: chr17-41209072-T-G.
Other names: c.5142A>C, p.Arg1714Ser (NM_001407690.1, NM_001407691.1); c.5133A>C, p.Arg1711Ser (NM_001407692.1, NM_001407694.1, NM_001407695.1 and 13 more transcripts); c.5130A>C, p.Arg1710Ser (NM_001407734.1, NM_001407735.1, NM_001407736.1 and 21 more transcripts); c.5127A>C, p.Arg1709Ser (NM_001407838.1, NM_001407839.1, NM_001407841.1 and 12 more transcripts); c.5268A>C, p.Arg1756Ser (NM_001407861.1, NM_001407629.1, NM_001407630.1 and 14 more transcripts); c.5073A>C, p.Arg1691Ser (NM_001407862.1); c.5070A>C, p.Arg1690Ser (NM_001407863.1); c.5067A>C, p.Arg1689Ser (NM_001407874.1, NM_001407875.1); and 72 more; short protein forms R654S, R1779S, R1711S, R1758S, R1630S, R1631S, R1646S, R1669S.
Identifiers: ClinVar variation 867916 (VCV000867916.3), dbSNP rs758739620, ClinGen allele CA10591005.